The following is an entry in ClinVar:

ClinVar aggregate classification (germline): Benign/Likely benign. Review status: criteria provided, multiple submitters, no conflicts (2 of 4 stars). 5 submissions from 5 submitters: Benign (1); Likely benign (4). Last evaluated 2024-12-30.

Conditions:
Hereditary cancer-predisposing syndrome. Also called: Hereditary Cancer Syndrome; Hereditary neoplastic syndrome; Neoplastic Syndromes, Hereditary; Tumor predisposition. Identifiers: Orphanet 140162, MedGen C0027672, MeSH D009386, MONDO:0015356.
Lynch syndrome 5 (LYNCH5). Also called: Hereditary non-polyposis colorectal cancer, type 5; Colorectal cancer, hereditary nonpolyposis, type 5. Identifiers: Orphanet 144, MedGen C1833477, MONDO:0013710, OMIM 614350. Disease mechanism: loss of function.
Hereditary nonpolyposis colorectal neoplasms. Identifiers: MedGen C0009405, MeSH D003123.
Lynch syndrome. Identifiers: Orphanet 144, MedGen C4552100, MONDO:0005835. Disease mechanism: loss of function.

Allele frequency attached by ClinVar (database versions not stated): gnomAD exomes below 0.00001.
gnomAD v4.1: 1 of 1,614,190 alleles (0.000062%); highest among the groups gnomAD compares: Non-Finnish European, 0.000085%; no homozygotes.

Submissions (5):

Myriad Genetics, Inc.
Classification: Benign for Lynch syndrome 5. Last evaluated: 2024-12-30. Review status: criteria provided, single submitter. Criteria: Myriad Autosomal Dominant, Autosomal Recessive and X-Linked Classification Criteria (2023). Collection method: clinical testing. Allele origin: unknown.
Comment: This variant is considered benign. This variant is a silent/synonymous amino acid change and it is not expected to impact splicing.

Labcorp Genetics (formerly Invitae), Labcorp
Classification: Likely benign for Hereditary nonpolyposis colorectal neoplasms. Last evaluated: 2024-03-24. Review status: criteria provided, single submitter. Criteria: Invitae Variant Classification Sherloc (09022015). Collection method: clinical testing. Allele origin: germline.

All of Us Research Program, National Institutes of Health
Classification: Likely benign for Lynch syndrome. Last evaluated: 2023-06-08. Review status: criteria provided, single submitter. Criteria: ACMG Guidelines, 2015. Collection method: clinical testing. Allele origin: germline. Inheritance: Autosomal dominant inheritance. Observed: 1 variant allele, 1 heterozygote.
Comment: This study involves interpretation of variants in research participants for the purpose of population health screening. Participant phenotype was not available at the time of variant classification. Additional details can be found in publication PMID: 35346344, PMCID: PMC8962531

Color Diagnostics, LLC DBA Color Health
Classification: Likely benign for Hereditary cancer-predisposing syndrome. Last evaluated: 2021-07-26. Review status: criteria provided, single submitter. Criteria: ACMG Guidelines, 2015. Collection method: clinical testing. Allele origin: germline.

Ambry Genetics
Classification: Likely benign for Hereditary cancer-predisposing syndrome. Last evaluated: 2019-10-23. Review status: criteria provided, single submitter. Criteria: Ambry Variant Classification Scheme 2023. Collection method: clinical testing. Allele origin: germline.

NM_000179.3(MSH6):c.1920A>G (p.Glu640=)

Gene: MSH6 (mutS homolog 6; plus strand). Cytogenetic location: 2p16.3.
Variant type: single nucleotide variant.
Coding change: c.1920A>G on transcript NM_000179.3 (MANE Select); coding-DNA position 1920, A replaced by G.
Protein change: p.Glu640=; no amino-acid change (glutamic acid 640 retained).
Molecular consequence: synonymous variant.
Genome position (GRCh38, 1-based): chr2:47,799,903, A>G. VCF-style: chr2-47799903-A-G. GRCh37 (hg19) VCF-style: chr2-48027042-A-G.
Other names: c.1530A>G, p.Glu510= (NM_001281492.2); c.1014A>G, p.Glu338= (NM_001281493.2, NM_001281494.2).
Identifiers: ClinVar variation 752970 (VCV000752970.19), dbSNP rs1572724974, ClinGen allele CA426121325.